The following is an entry in ClinVar:

ClinVar aggregate classification (germline): Uncertain significance (1 of 4 stars; one submission).

Conditions:
Hereditary cancer-predisposing syndrome. Also called: Neoplastic Syndromes, Hereditary; Hereditary Cancer Syndrome; Tumor predisposition; Hereditary neoplastic syndrome. Identifiers: Orphanet 140162, MedGen C0027672, MeSH D009386, MONDO:0015356.

Submission:

Ambry Genetics
Classification: Uncertain significance for Hereditary cancer-predisposing syndrome. Last evaluated: 2024-12-20. Review status: criteria provided, single submitter. Criteria: Ambry Variant Classification Scheme 2023. Collection method: clinical testing. Allele origin: germline.
Comment: The p.K74N variant (also known as c.222A>C), located in coding exon 3 of the POT1 gene, results from an A to C substitution at nucleotide position 222. The lysine at codon 74 is replaced by asparagine, an amino acid with similar properties. This amino acid position is conserved. In addition, this alteration is predicted to be tolerated by in silico analysis. Based on the available evidence, the clinical significance of this variant remains unclear.

NM_015450.3(POT1):c.222A>C (p.Lys74Asn)

Gene: POT1 (protection of telomeres 1; minus strand). Cytogenetic location: 7q31.33.
Variant type: single nucleotide variant.
Coding change: c.222A>C on transcript NM_015450.3 (MANE Select); coding-DNA position 222, A replaced by C.
Protein change: p.Lys74Asn; replaces lysine 74 with asparagine.
Molecular consequence: missense variant. On other transcripts: non-coding transcript variant (3), intron variant (1).
Genome position (GRCh38, 1-based): chr7:124,870,944, T>G on the plus strand (A>C on the coding strand, the complement: POT1 is on the minus strand). VCF-style: chr7-124870944-T-G. GRCh37 (hg19) VCF-style: chr7-124510998-T-G.
Other names: c.-138-7304A>C (NM_001042594.2); short protein forms K74N.
Identifiers: ClinVar variation 3781985 (VCV003781985.1).
Genomic context (GRCh38, chr7:124,870,944, plus strand): 5'-ATAAGTTCTAGACAATATGAATTATACCTTCAGCCTGTGAAAGCGAACAATATCTCCATT[T>G]TTATAAATTATTGGAAGGGCTTCATAGTTTCCACTAAAGAGCAGGCAAGTTAGTTTTACA-3'
Protein context (NP_056265.2, residues 64-84): GNYEALPIIY[Lys74Asn]NGDIVRFHRL